The following is an entry in ClinVar:

NM_003966.3(SEMA5A):c.1926-25T>G

Gene: SEMA5A (semaphorin 5A; minus strand). Cytogenetic location: 5p15.31.
Variant type: single nucleotide variant.
Coding change: c.1926-25T>G on transcript NM_003966.3 (MANE Select); 25 bases into the intron before coding-DNA position 1926, T replaced by G.
Molecular consequence: intron variant.
Genome position (GRCh38, 1-based): chr5:9,108,312, A>C on the plus strand (T>G on the coding strand, the complement: SEMA5A is on the minus strand). VCF-style: chr5-9108312-A-C. GRCh37 (hg19) VCF-style: chr5-9108424-A-C.
Identifiers: ClinVar variation 4820726 (VCV004820726.4).

ClinVar aggregate classification (germline): Likely benign (1 of 4 stars; one submission).

gnomAD v4.1: 5,332 of 1,612,008 alleles (0.33%); highest among the groups gnomAD compares: Non-Finnish European, 0.4%; 17 homozygotes.

Submission:

CeGaT Center for Human Genetics Tuebingen
Classification: Likely benign. Last evaluated: 2026-02-01. Review status: criteria provided, single submitter. Criteria: CeGaT Center For Human Genetics Tuebingen Variant Classification Criteria Version 2. Collection method: clinical testing. Allele origin: germline. Affected: yes. Observed: 1 variant allele.
Comment: SEMA5A: BS2